The following is an entry in ClinVar:

ClinVar aggregate classification (germline): Conflicting classifications of pathogenicity. Review status: criteria provided, conflicting classifications (1 of 4 stars). 3 submissions from 3 submitters: Likely pathogenic (1); Uncertain significance (2). Last evaluated 2025-11-16.

Conditions:
TYR-related disorder. Also called: TYR-related condition.

Submissions (3):

Labcorp Genetics (formerly Invitae), Labcorp
Classification: Uncertain significance. Last evaluated: 2025-11-16. Review status: criteria provided, single submitter. Criteria: Invitae Variant Classification Sherloc (09022015). Collection method: clinical testing. Allele origin: germline.
Comment: This sequence change replaces valine, which is neutral and non-polar, with isoleucine, which is neutral and non-polar, at codon 177 of the TYR protein (p.Val177Ile). This variant is present in population databases (no rsID available, gnomAD 0.002%). This missense change has been observed in individual(s) with albinism (PMID: 27734839). ClinVar contains an entry for this variant (Variation ID: 3629753). Invitae Evidence Modeling of protein sequence and biophysical properties (such as structural, functional, and spatial information, amino acid conservation, physicochemical variation, residue mobility, and thermodynamic stability) indicates that this missense variant is expected to disrupt TYR protein function with a positive predictive value of 95%. This variant disrupts the p.Val177 amino acid residue in TYR. Other variant(s) that disrupt this residue have been observed in individuals with TYR-related conditions (PMID: 27734839, 31229681), which suggests that this may be a clinically significant amino acid residue. In summary, the available evidence is currently insufficient to determine the role of this variant in disease. Therefore, it has been classified as a Variant of Uncertain Significance.

Women's Health and Genetics/Laboratory Corporation of America, LabCorp
Classification: Uncertain significance. Last evaluated: 2024-11-08. Review status: criteria provided, single submitter. Criteria: LabCorp Variant Classification Summary - May 2015. Collection method: clinical testing. Allele origin: germline.
Comment: Variant summary: TYR c.529G>A (p.Val177Ile) results in a conservative amino acid change located in the Common central domain of tyrosinase (IPR002227) of the encoded protein sequence. Four of five in-silico tools predict a damaging effect of the variant on protein function. The variant allele was found at a frequency of 4e-06 in 251430 control chromosomes. The available data on variant occurrences in the general population are insufficient to allow any conclusion about variant significance. c.529G>A has been reported in the literature in individuals affected with Oculocutaneous Albinism (Mauri_2017, Seguy_2023). These data do not allow any conclusion about variant significance. To our knowledge, no experimental evidence demonstrating an impact on protein function has been reported. The following publications have been ascertained in the context of this evaluation (PMID: 27734839, 37707835). No submitters have cited clinical-significance assessments for this variant to ClinVar. Based on the evidence outlined above, the variant was classified as uncertain significance.

Blueprint Genetics
Classification: Likely pathogenic for TYR-related disorders. Last evaluated: 2019-03-13. Review status: criteria provided, single submitter. Criteria: ACMG Guidelines, 2015. Collection method: clinical testing. Allele origin: germline. Affected: yes. Observed: 2 variant alleles.

Literature cited by the submitters: PubMed 27734839 (cited by Labcorp Genetics (formerly Invitae), Labcorp and Women's Health and Genetics/Laboratory Corporation of America, LabCorp); PubMed 31229681 (cited by Labcorp Genetics (formerly Invitae), Labcorp); PubMed 37707835 (cited by Women's Health and Genetics/Laboratory Corporation of America, LabCorp).

NM_000372.5(TYR):c.529G>A (p.Val177Ile)

Gene: TYR (tyrosinase; plus strand). Cytogenetic location: 11q14.3.
Variant type: single nucleotide variant.
Coding change: c.529G>A on transcript NM_000372.5 (MANE Select); coding-DNA position 529, G replaced by A.
Protein change: p.Val177Ile; replaces valine 177 with isoleucine.
Molecular consequence: missense variant.
Genome position (GRCh38, 1-based): chr11:89,178,482, G>A. VCF-style: chr11-89178482-G-A. GRCh37 (hg19) VCF-style: chr11-88911650-G-A.
Other names: short protein forms V177I.
Identifiers: ClinVar variation 3629753 (VCV003629753.4).